The following is an entry in ClinVar:

ClinVar aggregate classification (germline): Uncertain significance. Review status: criteria provided, multiple submitters, no conflicts (2 of 4 stars). 4 submissions from 4 submitters: Uncertain significance (4). Last evaluated 2024-04-20.

Conditions:
Inborn genetic diseases. Identifiers: MedGen C0950123, MeSH D030342.

Allele frequency attached by ClinVar (database versions not stated): TOPMed below 0.00001.
gnomAD v4.1: 3 of 1,612,786 alleles (0.00019%); highest among the groups gnomAD compares: Non-Finnish European, 0.00025%; no homozygotes.

Submissions (4):

Ambry Genetics
Classification: Uncertain significance for Inborn genetic diseases. Last evaluated: 2024-04-20. Review status: criteria provided, single submitter. Criteria: Ambry Variant Classification Scheme 2023. Collection method: clinical testing. Allele origin: germline.

GeneDx
Classification: Uncertain significance. Last evaluated: 2024-03-13. Review status: criteria provided, single submitter. Criteria: GeneDx Variant Classification Process June 2021. Collection method: clinical testing. Allele origin: germline. Affected: yes.
Comment: Not observed at significant frequency in large population cohorts (gnomAD); In silico analysis supports that this missense variant does not alter protein structure/function; Has not been previously published as pathogenic or benign to our knowledge

Labcorp Genetics (formerly Invitae), Labcorp
Classification: Uncertain significance. Last evaluated: 2023-07-12. Review status: criteria provided, single submitter. Criteria: Invitae Variant Classification Sherloc (09022015). Collection method: clinical testing. Allele origin: germline.
Comment: Advanced modeling of protein sequence and biophysical properties (such as structural, functional, and spatial information, amino acid conservation, physicochemical variation, residue mobility, and thermodynamic stability) performed at Invitae indicates that this missense variant is not expected to disrupt COL9A2 protein function. In summary, the available evidence is currently insufficient to determine the role of this variant in disease. Therefore, it has been classified as a Variant of Uncertain Significance. This variant has not been reported in the literature in individuals affected with COL9A2-related conditions. This variant is not present in population databases (gnomAD no frequency). This sequence change replaces isoleucine, which is neutral and non-polar, with methionine, which is neutral and non-polar, at codon 525 of the COL9A2 protein (p.Ile525Met).

Blueprint Genetics
Classification: Uncertain significance. Last evaluated: 2018-08-28. Review status: criteria provided, single submitter. Criteria: ACMG Guidelines, 2015. Collection method: clinical testing. Allele origin: germline.

NM_001852.4(COL9A2):c.1575C>G (p.Ile525Met)

Gene: COL9A2 (collagen type IX alpha 2 chain; minus strand). Cytogenetic location: 1p34.2.
Variant type: single nucleotide variant.
Coding change: c.1575C>G on transcript NM_001852.4 (MANE Select); coding-DNA position 1575, C replaced by G.
Protein change: p.Ile525Met; replaces isoleucine 525 with methionine.
Molecular consequence: missense variant.
Genome position (GRCh38, 1-based): chr1:40,303,159, G>C on the plus strand (C>G on the coding strand, the complement: COL9A2 is on the minus strand). VCF-style: chr1-40303159-G-C. GRCh37 (hg19) VCF-style: chr1-40768831-G-C.
Other names: c.1575C>G (NM_001852.3); short protein forms I525M.
Identifiers: ClinVar variation 2854375 (VCV002854375.6), dbSNP rs1174194585, ClinGen allele CA339877439.